The following is an entry in ClinVar:

NM_000264.5(PTCH1):c.883C>T (p.Pro295Ser)

Gene: PTCH1 (patched 1; minus strand). Cytogenetic location: 9q22.32.
Variant type: single nucleotide variant.
Coding change: c.883C>T on transcript NM_000264.5 (MANE Select); coding-DNA position 883, C replaced by T.
Protein change: p.Pro295Ser; replaces proline 295 with serine.
Molecular consequence: missense variant. On other transcripts: non-coding transcript variant (1).
Genome position (GRCh38, 1-based): chr9:95,480,452, G>A on the plus strand (C>T on the coding strand, the complement: PTCH1 is on the minus strand). VCF-style: chr9-95480452-G-A. GRCh37 (hg19) VCF-style: chr9-98242734-G-A.
Other names: c.685C>T, p.Pro229Ser (NM_001083602.3); c.880C>T, p.Pro294Ser (NM_001083603.3); c.430C>T, p.Pro144Ser (NM_001083604.3, NM_001083605.3, NM_001083606.3 and 1 more transcripts); c.883C>T, p.Pro295Ser (NM_001354918.2); short protein forms P144S, P229S, P294S, P295S.
Identifiers: ClinVar variation 2633768 (VCV002633768.2), dbSNP rs2118417186, ClinGen allele CA374113874.

ClinVar aggregate classification (germline): Uncertain significance. Review status: criteria provided, multiple submitters, no conflicts (2 of 4 stars). 2 submissions from 2 submitters: Uncertain significance (2). Last evaluated 2024-05-20.

Conditions:
Hereditary cancer-predisposing syndrome. Also called: Tumor predisposition; Neoplastic Syndromes, Hereditary; Hereditary neoplastic syndrome; Hereditary Cancer Syndrome. Identifiers: Orphanet 140162, MedGen C0027672, MeSH D009386, MONDO:0015356.
PTCH1-related disorder. Also called: PTCH1-related disorders; PTCH1-related condition.

Submissions (2):

Ambry Genetics
Classification: Uncertain significance for Hereditary cancer-predisposing syndrome. Last evaluated: 2024-05-20. Review status: criteria provided, single submitter. Criteria: Ambry Variant Classification Scheme 2023. Collection method: clinical testing. Allele origin: germline.
Comment: The p.P295S variant (also known as c.883C>T), located in coding exon 6 of the PTCH1 gene, results from a C to T substitution at nucleotide position 883. The proline at codon 295 is replaced by serine, an amino acid with similar properties. This alteration was identified in an individual diagnosed with isolated cleft lip and/or palate (Mansilla MA et al. Cleft Palate Craniofac J, 2006 Jan;43:21-9). This amino acid position is highly conserved in available vertebrate species. In addition, this alteration is predicted to be deleterious by in silico analysis. Based on the available evidence, the clinical significance of this variant remains unclear.

PreventionGenetics, part of Exact Sciences
Classification: Uncertain significance for PTCH1-related condition. Last evaluated: 2023-04-07. Review status: criteria provided, single submitter. Criteria: ACMG Guidelines, 2015. Collection method: clinical testing. Allele origin: germline.
Comment: The PTCH1 c.883C>T variant is predicted to result in the amino acid substitution p.Pro295Ser. This variant was reported in an individual with orofacial clefting; however, it was also observed in unaffected family members (Mansilla et al. 2006. PubMed ID: 16405370). Incomplete penetrance has been documented for PTCH1-related disorders. This variant has not been reported in a large population database, indicating this variant is rare. At this time, the clinical significance of this variant is uncertain due to the absence of conclusive functional and genetic evidence.

Literature cited by the submitters: PubMed 16405370 (cited by Ambry Genetics).